The following is an entry in ClinVar:

NM_058195.4(CDKN2A):c.35G>A (p.Arg12Gln)

Gene: CDKN2A (cyclin dependent kinase inhibitor 2A; minus strand). Cytogenetic location: 9p21.3.
Variant type: single nucleotide variant.
Coding change: c.35G>A on transcript NM_058195.4 (MANE Plus Clinical); coding-DNA position 35, G replaced by A.
Protein change: p.Arg12Gln; replaces arginine 12 with glutamine.
Molecular consequence: missense variant. On other transcripts: intron variant (1).
Genome position (GRCh38, 1-based): chr9:21,994,297, C>T on the plus strand (G>A on the coding strand, the complement: CDKN2A is on the minus strand). VCF-style: chr9-21994297-C-T. GRCh37 (hg19) VCF-style: chr9-21994296-C-T.
Other names: c.-4+524G>A (NM_001363763.2); short protein forms R12Q.
Identifiers: ClinVar variation 584735 (VCV000584735.11), dbSNP rs201877069, ClinGen allele CA190745938.

ClinVar aggregate classification (germline): Uncertain significance. Review status: criteria provided, multiple submitters, no conflicts (2 of 4 stars). 4 submissions from 4 submitters: Uncertain significance (4). Last evaluated 2024-04-15.

Conditions:
Hereditary cancer-predisposing syndrome. Also called: Hereditary Cancer Syndrome; Neoplastic Syndromes, Hereditary; Tumor predisposition; Hereditary neoplastic syndrome. Identifiers: Orphanet 140162, MedGen C0027672, MeSH D009386, MONDO:0015356.
Familial melanoma. Also called: Hereditary melanoma; Hereditary cutaneous melanoma. Identifiers: Orphanet 618, MedGen C1512419, MONDO:0018961.
Melanoma and neural system tumor syndrome. Also called: MELANOMA-ASTROCYTOMA SYNDROME. Identifiers: Orphanet 252206, MedGen C1835042, MONDO:0007967, OMIM 155755.
Melanoma, cutaneous malignant, susceptibility to, 2 (CMM2). Also called: CDKN2A-Related Cutaneous Malignant Melanoma; Cutaneous malignant melanoma 2. Identifiers: Orphanet 618, MedGen C1835044, MONDO:0007964, OMIM 155601.

Allele frequency attached by ClinVar (database versions not stated): TOPMed 0.00001; gnomAD 0.00001.
gnomAD v4.1: 3 of 1,604,276 alleles (0.00019%); highest among the groups gnomAD compares: Non-Finnish European, 0.00026%; no homozygotes.

Submissions (4):

Ambry Genetics
Classification: Uncertain significance for Hereditary cancer-predisposing syndrome. Last evaluated: 2024-04-15. Review status: criteria provided, single submitter. Criteria: Ambry Variant Classification Scheme 2023. Collection method: clinical testing. Allele origin: germline.
Comment: The p.R12Q variant (also known as c.35G>A), located in coding exon 1 of the CDKN2A (p14ARF) gene, results from a G to A substitution at nucleotide position 35. The arginine at codon 12 is replaced by glutamine, an amino acid with highly similar properties. This amino acid position is well conserved in available vertebrate species. Based on the available evidence, the clinical significance of this variant remains unclear.

Baylor Genetics
Classification: Uncertain significance for Melanoma and neural system tumor syndrome. Last evaluated: 2023-09-05. Review status: criteria provided, single submitter. Criteria: ACMG Guidelines, 2015. Collection method: clinical testing. Allele origin: unknown.

Labcorp Genetics (formerly Invitae), Labcorp
Classification: Uncertain significance for Familial melanoma. Last evaluated: 2021-11-12. Review status: criteria provided, single submitter. Criteria: Invitae Variant Classification Sherloc (09022015). Collection method: clinical testing. Allele origin: germline.
Comment: This sequence change replaces arginine, which is basic and polar, with glutamine, which is neutral and polar, at codon 12 of the CDKN2A (p14ARF) protein (p.Arg12Gln). This variant is not present in population databases (gnomAD no frequency). This variant has not been reported in the literature in individuals affected with CDKN2A (p14ARF)-related conditions. ClinVar contains an entry for this variant (Variation ID: 584735). Algorithms developed to predict the effect of missense changes on protein structure and function are either unavailable or do not agree on the potential impact of this missense change (SIFT: "Tolerated"; PolyPhen-2: "Possibly Damaging"; Align-GVGD: "Class C0"). Algorithms developed to predict the effect of sequence changes on RNA splicing suggest that this variant may create or strengthen a splice site. In summary, the available evidence is currently insufficient to determine the role of this variant in disease. Therefore, it has been classified as a Variant of Uncertain Significance.

Mendelics
Classification: Uncertain significance for Cutaneous malignant melanoma 2. Last evaluated: 2018-07-02. Review status: criteria provided, single submitter. Criteria: Mendelics Assertion Criteria 2017. Collection method: clinical testing. Allele origin: unknown.